The following is an entry in ClinVar:

ClinVar aggregate classification (germline): Uncertain significance. Review status: criteria provided, multiple submitters, no conflicts (2 of 4 stars). 10 submissions from 10 submitters: Uncertain significance (8). 2 of the submissions do not count toward it. Last evaluated 2026-05-20.

Conditions:
CFTR-related disorder (CFTR-RD). Also called: CFTR-related disorders; CFTR-related condition. Identifiers: MedGen C5924204, MONDO:7770004.
Bronchiectasis with or without elevated sweat chloride 1 (BESC1). Also called: Cystic Fibrosis-Like Syndrome. Identifiers: Orphanet 60033, MedGen C2749757, MONDO:0008887, OMIM 211400.
Hereditary pancreatitis (PCTT). Also called: PRSS1-Related Hereditary Pancreatitis; Hereditary chronic pancreatitis. Identifiers: Orphanet 676, MedGen C0238339, MONDO:0008185, OMIM 167800.
Cystic fibrosis (CF). Also called: MUCOVISCIDOSIS. Identifiers: Orphanet 586, MedGen C0010674, MONDO:0009061, OMIM 219700. Disease mechanism: loss of function.
Congenital bilateral aplasia of vas deferens from CFTR mutation (CBAVD). Identifiers: Orphanet 48, MedGen C0403814, MONDO:0010178, OMIM 277180. Disease mechanism: loss of function.

Allele frequency attached by ClinVar (database versions not stated): TOPMed 0.00002; gnomAD 0.00001.
gnomAD v4.1: 28 of 1,612,714 alleles (0.0017%); highest among the groups gnomAD compares: Middle Eastern, 0.033%; no homozygotes.

Submissions (10):

Women's Health and Genetics/Laboratory Corporation of America, LabCorp
Classification: Uncertain significance. Last evaluated: 2026-05-20. Review status: criteria provided, single submitter. Criteria: LabCorp Variant Classification Summary - May 2015. Collection method: clinical testing. Allele origin: germline.
Comment: Variant summary: CFTR c.473G>C (p.Ser158Thr) results in a conservative amino acid change located in the ABC transporter type 1, transmembrane domain of the encoded protein sequence. Algorithms developed to predict the effect of missense changes on protein structure and function are either unavailable or do not agree on the potential impact of this missense change. The variant allele was found at a frequency of 2e-05 in 249072 control chromosomes. The available data on variant occurrences in the general population are insufficient to allow any conclusion about variant significance. c.473G>C has been observed in individuals affected with atypical cystic fibrosis, chronic pancreatitis, or pancreatic cancer (McGinniss_2005, Xiao_2017, Yang_2016, Trujillano_2015, Sofia_2016). These reports do not provide unequivocal conclusions about association of the variant with Chronic Pancreatitis Risk. Co-occurrences with other pathogenic variant(s) have been reported (SPINK1 c.194+2T>C, pancreatic cancer; CDKN2A unspecified variant, pancreatic cancer), providing supporting evidence for a benign role. To our knowledge, no experimental evidence demonstrating an impact on protein function has been reported. The following publications have been ascertained in the context of this evaluation (PMID: 16189704, 17890437, 27264265, 26436105, 29173301, 27449771, 38493004). ClinVar contains an entry for this variant (Variation ID: 53959). Based on the evidence outlined above, the variant was classified as uncertain significance.

Labcorp Genetics (formerly Invitae), Labcorp
Classification: Uncertain significance for Cystic fibrosis. Last evaluated: 2026-01-20. Review status: criteria provided, single submitter. Criteria: Invitae Variant Classification Sherloc (09022015). Collection method: clinical testing. Allele origin: germline.
Comment: This sequence change replaces serine, which is neutral and polar, with threonine, which is neutral and polar, at codon 158 of the CFTR protein (p.Ser158Thr). This variant is present in population databases (rs397508725, gnomAD 0.006%). This missense change has been observed in individual(s) with clinical features of cystic fibrosis and pancreatitis (PMID: 16189704, 26436105, 27264265, 27449771, 29173301). ClinVar contains an entry for this variant (Variation ID: 53959). Invitae Evidence Modeling of protein sequence and biophysical properties (such as structural, functional, and spatial information, amino acid conservation, physicochemical variation, residue mobility, and thermodynamic stability) indicates that this missense variant is not expected to disrupt CFTR protein function with a negative predictive value of 80%. This variant disrupts the p.Ser158 amino acid residue in CFTR. Other variant(s) that disrupt this residue have been determined to be pathogenic (PMID: 30760291; internal data). This suggests that this residue is clinically significant, and that variants that disrupt this residue are likely to be disease-causing. In summary, the available evidence is currently insufficient to determine the role of this variant in disease. Therefore, it has been classified as a Variant of Uncertain Significance.

Ambry Genetics
Classification: Uncertain significance for Cystic fibrosis. Last evaluated: 2023-10-05. Review status: criteria provided, single submitter. Criteria: Ambry Variant Classification Scheme 2023. Collection method: clinical testing. Allele origin: germline.
Comment: The p.S158T variant (also known as c.473G>C), located in coding exon 4 of the CFTR gene, results from a G to C substitution at nucleotide position 473. The serine at codon 158 is replaced by threonine, an amino acid with similar properties. This alteration was also identified in multiple individuals diagnosed with pancreatitis (Sofia VM et al. Mol Med, 2016 Sep;22:300-309; Xiao Y et al. J Pediatr, 2017 Dec;191:158-163.e3). This amino acid position is highly conserved in available vertebrate species. In addition, this alteration is predicted to be deleterious by in silico analysis. Since supporting evidence is limited at this time, the clinical significance of this alteration remains unclear.

PreventionGenetics, part of Exact Sciences
Classification: Uncertain significance for CFTR-related condition. Last evaluated: 2023-05-30. Review status: criteria provided, single submitter. Criteria: ACMG Guidelines, 2015. Collection method: clinical testing. Allele origin: germline.
Comment: The CFTR c.473G>C variant is predicted to result in the amino acid substitution p.Ser158Thr. This variant was reported in patients with cystic fibrosis, chronic pancreatitis, and pancreatic cancer, although pathogenicity was not established in any of these cases (McGinniss et al. 2005. PubMed ID: 16189704; Yang et al. 2016. PubMed ID: 27449771; Xiao et al. 2017. PubMed ID: 29173301). This variant is reported in 0.0058% of alleles in individuals of Latino descent in gnomAD. At this time, the clinical significance of this variant is uncertain due to the absence of conclusive functional and genetic evidence.

Quest Diagnostics Nichols Institute San Juan Capistrano
Classification: Uncertain significance. Last evaluated: 2023-02-02. Review status: criteria provided, single submitter. Criteria: Quest Diagnostics criteria. Collection method: clinical testing. Allele origin: unknown.
Comment: The frequency of this variant in the general population, 0.000027 (3/112322 chromosomes), is uninformative in assessment of its pathogenicity. In the published literature, the variant has been reported in a cohort of individual with Cystic Fibrosis (CF) or CF-related conditions (PMID: 26436105 (2015)), an individual with atypical CF (PMID: 16189704 (2005)), an individual with pancreatic cancer (PMID: 27449771 (2016)), and individuals with chronic pancreatitis (PMIDs: 27264265 (2016) and 29173301 (2017)). Analysis of this variant using bioinformatics tools for the prediction of the effect of amino acid changes on protein structure and function yielded predictions that this variant is damaging. Based on the available information, we are unable to determine the clinical significance of this variant.

Fulgent Genetics
Classification: Uncertain significance for Hereditary pancreatitis; Bronchiectasis with or without elevated sweat chloride 1; Cystic fibrosis; Congenital bilateral aplasia of vas deferens from CFTR mutation. Last evaluated: 2022-04-25. Review status: criteria provided, single submitter. Criteria: ACMG Guidelines, 2015. Collection method: clinical testing. Allele origin: unknown.

Genome-Nilou Lab
Classification: Uncertain significance for Cystic fibrosis. Last evaluated: 2021-09-05. Review status: criteria provided, single submitter. Criteria: ACMG Guidelines, 2015. Collection method: clinical testing. Allele origin: germline. Affected: no.

Mayo Clinic Laboratories, Mayo Clinic
Classification: Uncertain significance. Last evaluated: 2020-02-17. Review status: criteria provided, single submitter. Criteria: ACMG Guidelines, 2015. Collection method: clinical testing. Allele origin: germline. Observed: 1 variant allele.

Natera, Inc.
Classification: Uncertain significance for CFTR-related disorders. Last evaluated: 2018-10-28. Review status: no assertion criteria provided. Collection method: clinical testing. Allele origin: germline. Not counted in ClinVar's aggregate classification.

ClinVar Staff, National Center for Biotechnology Information (NCBI)
No classification provided. Condition: CFTR-related disorders. Review status: no classification provided. Collection method: literature only. Allele origin: germline. Affected: yes. Not counted in ClinVar's aggregate classification.

Literature cited by the submitters: PubMed 16189704 (cited by 5 submitters); PubMed 17890437 (cited by Women's Health and Genetics/Laboratory Corporation of America, LabCorp and Quest Diagnostics Nichols Institute San Juan Capistrano); PubMed 27264265 (cited by 4 submitters); PubMed 27449771 (cited by 3 submitters); PubMed 26436105 (cited by 3 submitters); PubMed 29173301 (cited by 4 submitters); PubMed 38493004 (cited by Women's Health and Genetics/Laboratory Corporation of America, LabCorp); PubMed 30760291 (cited by Labcorp Genetics (formerly Invitae), Labcorp).

NM_000492.4(CFTR):c.473G>C (p.Ser158Thr)

Gene: CFTR (CF transmembrane conductance regulator; plus strand). Cytogenetic location: 7q31.2.
Variant type: single nucleotide variant.
Coding change: c.473G>C on transcript NM_000492.4 (MANE Select); coding-DNA position 473, G replaced by C.
Protein change: p.Ser158Thr; replaces serine 158 with threonine.
Molecular consequence: missense variant.
Genome position (GRCh38, 1-based): chr7:117,531,098, G>C. VCF-style: chr7-117531098-G-C. GRCh37 (hg19) VCF-style: chr7-117171152-G-C.
Other names: short protein forms S158T.
Identifiers: ClinVar variation 53959 (VCV000053959.23), dbSNP rs397508725, ClinGen allele CA327508.
Genomic context (GRCh38, chr7:117,531,098, plus strand): 5'-TACACCCAGCCATTTTTGGCCTTCATCACATTGGAATGCAGATGAGAATAGCTATGTTTA[G>C]TTTGATTTATAAGAAGGTAATACTTCCTTGCACAGGCCCCATGGCACATATATTCTGTAT-3'
Protein context (NP_000483.3, residues 148-168): IGMQMRIAMF[Ser158Thr]LIYKKTLKLS